The following is an entry in ClinVar:

NM_004364.5(CEBPA):c.533T>G (p.Leu178Arg)

Gene: CEBPA (CCAAT enhancer binding protein alpha; minus strand). Cytogenetic location: 19q13.11.
Variant type: single nucleotide variant.
Coding change: c.533T>G on transcript NM_004364.5 (MANE Select); coding-DNA position 533, T replaced by G.
Protein change: p.Leu178Arg; replaces leucine 178 with arginine.
Molecular consequence: missense variant.
Genome position (GRCh38, 1-based): chr19:33,301,882, A>C on the plus strand (T>G on the coding strand, the complement: CEBPA is on the minus strand). VCF-style: chr19-33301882-A-C. GRCh37 (hg19) VCF-style: chr19-33792788-A-C.
Other names: c.176T>G, p.Leu59Arg (NM_001285829.2); c.638T>G, p.Leu213Arg (NM_001287424.2); c.491T>G, p.Leu164Arg (NM_001287435.2); short protein forms L213R, L59R, L164R, L178R.
Identifiers: ClinVar variation 3999988 (VCV003999988.1).
Genomic context (GRCh38, chr19:33,301,882, plus strand): 5'-GGCGGCGGGTGCGGGTGCGGGTGCGAGGGCGGCGGCGGCGGCGGCGGCTGGTAAGGGAAG[A>C]GGCCGGCCAGCGCCAGCTGCTTGGCTTCATCCTCCTCGCGGGGCTCCTGCTTGATCACCA-3'
Protein context (NP_004355.2, residues 168-188): DEAKQLALAG[Leu178Arg]FPYQPPPPPP

ClinVar aggregate classification (germline): Uncertain significance (1 of 4 stars; one submission).

Conditions:
Inborn genetic diseases. Identifiers: MedGen C0950123, MeSH D030342.

Submission:

Ambry Genetics
Classification: Uncertain significance for Inborn genetic diseases. Last evaluated: 2025-04-23. Review status: criteria provided, single submitter. Criteria: Ambry Variant Classification Scheme 2023. Collection method: clinical testing. Allele origin: germline.
Comment: The p.L178R variant (also known as c.533T>G), located in coding exon 1 of the CEBPA gene, results from a T to G substitution at nucleotide position 533. The leucine at codon 178 is replaced by arginine, an amino acid with dissimilar properties. This variant was identified amongst 22,659 patients with hematological conditions, but germline origin was not confirmed (Hogg G et al. Cancer Genet, 2023 Nov;278-279:38-49).This amino acid position is highly conserved in available vertebrate species. In addition, this alteration is predicted to be tolerated by in silico analysis. Based on the available evidence, the clinical significance of this variant remains unclear.

Literature cited by the submitters: PubMed 37586297.